The following is an entry in ClinVar:

NM_007255.3(B4GALT7):c.520G>T (p.Asp174Tyr)

Gene: B4GALT7 (beta-1,4-galactosyltransferase 7; plus strand). Cytogenetic location: 5q35.3.
Variant type: single nucleotide variant.
Coding change: c.520G>T on transcript NM_007255.3 (MANE Select); coding-DNA position 520, G replaced by T.
Protein change: p.Asp174Tyr; replaces aspartic acid 174 with tyrosine.
Molecular consequence: missense variant.
Genome position (GRCh38, 1-based): chr5:177,607,408, G>T. VCF-style: chr5-177607408-G-T. GRCh37 (hg19) VCF-style: chr5-177034409-G-T.
Other names: short protein forms D174Y.
Identifiers: ClinVar variation 1378689 (VCV001378689.4), dbSNP rs532945440, ClinGen allele CA3586522.

ClinVar aggregate classification (germline): Uncertain significance (1 of 4 stars; one submission).

Conditions:
Spondylodysplastic Ehlers-Danlos syndrome. Identifiers: Orphanet 536471, Orphanet 75496, MedGen C5680154, MONDO:0007526.

Allele frequency attached by ClinVar (database versions not stated): 1000 Genomes Project 30x 0.00016; 1000 Genomes Project 0.00020.

Submission:

Labcorp Genetics (formerly Invitae), Labcorp
Classification: Uncertain significance for Spondylodysplastic Ehlers-Danlos syndrome. Last evaluated: 2023-08-17. Review status: criteria provided, single submitter. Criteria: Invitae Variant Classification Sherloc (09022015). Collection method: clinical testing. Allele origin: germline.
Comment: This variant has not been reported in the literature in individuals affected with B4GALT7-related conditions. This variant is present in population databases (rs532945440, gnomAD 0.0009%). This sequence change replaces aspartic acid, which is acidic and polar, with tyrosine, which is neutral and polar, at codon 174 of the B4GALT7 protein (p.Asp174Tyr). In summary, the available evidence is currently insufficient to determine the role of this variant in disease. Therefore, it has been classified as a Variant of Uncertain Significance. Advanced modeling of protein sequence and biophysical properties (such as structural, functional, and spatial information, amino acid conservation, physicochemical variation, residue mobility, and thermodynamic stability) performed at Invitae indicates that this missense variant is not expected to disrupt B4GALT7 protein function. ClinVar contains an entry for this variant (Variation ID: 1378689).